The following is an entry in ClinVar:

ClinVar aggregate classification (germline): Uncertain significance (1 of 4 stars; one submission).

Conditions:
Microcephaly 4, primary, autosomal recessive. Identifiers: Orphanet 2512, MedGen C1858516, MONDO:0011437, OMIM 604321.

Allele frequency attached by ClinVar (database versions not stated): gnomAD exomes below 0.00001; gnomAD 0.00001; TOPMed 0.00001.
gnomAD v4.1: 2 of 1,613,752 alleles (0.00012%); highest among the groups gnomAD compares: Non-Finnish European, 0.00017%; no homozygotes.

Submission:

Baylor Genetics
Classification: Uncertain significance for Microcephaly 4, primary, autosomal recessive. Last evaluated: 2018-04-09. Review status: criteria provided, single submitter. Criteria: ACMG Guidelines, 2015. Collection method: clinical testing. Allele origin: maternal. Affected: yes.
Comment: This variant was determined to be of uncertain significance according to ACMG Guidelines, 2015 [PMID:25741868].

NM_144508.5(KNL1):c.3139G>A (p.Asp1047Asn)

Gene: KNL1 (kinetochore scaffold 1; plus strand). Cytogenetic location: 15q15.1.
Variant type: single nucleotide variant.
Coding change: c.3139G>A on transcript NM_144508.5 (MANE Select); coding-DNA position 3139, G replaced by A.
Protein change: p.Asp1047Asn; replaces aspartic acid 1047 with asparagine.
Molecular consequence: missense variant.
Genome position (GRCh38, 1-based): chr15:40,623,403, G>A. VCF-style: chr15-40623403-G-A. GRCh37 (hg19) VCF-style: chr15-40915601-G-A.
Other names: c.3217G>A, p.Asp1073Asn (NM_170589.5); short protein forms D1047N, D1073N.
Identifiers: ClinVar variation 1033179 (VCV001033179.1), dbSNP rs1456646458, ClinGen allele CA391750140.